The following is an entry in ClinVar:

ClinVar aggregate classification (germline): Pathogenic. Review status: criteria provided, multiple submitters, no conflicts (2 of 4 stars). 2 submissions from 2 submitters: Pathogenic (2). Last evaluated 2021-06-26.

Conditions:
Hereditary cancer-predisposing syndrome. Also called: Neoplastic Syndromes, Hereditary; Hereditary neoplastic syndrome; Tumor predisposition; Hereditary Cancer Syndrome. Identifiers: Orphanet 140162, MedGen C0027672, MeSH D009386, MONDO:0015356.
Hereditary breast ovarian cancer syndrome. Also called: BRCA1- and BRCA2-Associated Hereditary Breast and Ovarian Cancer; Hereditary breast and ovarian cancer syndrome (HBOC); Hereditary breast and ovarian cancer syndrome; Hereditary breast and ovarian cancer; Breast and ovarian cancer; Hereditary breast and/or ovarian cancer syndrome. Identifiers: Orphanet 145, MedGen C0677776, MeSH D061325, MONDO:0003582. Disease mechanism: loss of function.

Submissions (2):

Labcorp Genetics (formerly Invitae), Labcorp
Classification: Pathogenic for Hereditary breast ovarian cancer syndrome. Last evaluated: 2021-06-26. Review status: criteria provided, single submitter. Criteria: Invitae Variant Classification Sherloc (09022015). Collection method: clinical testing. Allele origin: germline.
Comment: This sequence change creates a premature translational stop signal (p.Lys1183Argfs*3) in the BRCA1 gene. It is expected to result in an absent or disrupted protein product. Loss-of-function variants in BRCA1 are known to be pathogenic (PMID: 20104584). This variant is not present in population databases (ExAC no frequency). This variant has not been reported in the literature in individuals with BRCA1-related conditions. For these reasons, this variant has been classified as Pathogenic.

Ambry Genetics
Classification: Pathogenic for Hereditary cancer-predisposing syndrome. Last evaluated: 2021-03-02. Review status: criteria provided, single submitter. Criteria: Ambry Variant Classification Scheme 2023. Collection method: clinical testing. Allele origin: germline.
Comment: The c.3548_3552delAAGGA pathogenic mutation, located in coding exon 9 of the BRCA1 gene, results from a deletion of 5 nucleotides at nucleotide positions 3548 to 3552, causing a translational frameshift with a predicted alternate stop codon (p.K1183Rfs*3). This alteration is expected to result in loss of function by premature protein truncation or nonsense-mediated mRNA decay. As such, this alteration is interpreted as a disease-causing mutation.

Literature cited by the submitters: PubMed 20104584 (cited by Labcorp Genetics (formerly Invitae), Labcorp).

NM_007294.4(BRCA1):c.3548_3552del (p.Lys1183fs)

Genes: BRCA1 (BRCA1 DNA repair associated; minus strand), LOC126862571 (BRD4-independent group 4 enhancer GRCh37_chr17:41243136-41244335; plus strand). Cytogenetic location: 17q21.31.
Variant type: Deletion.
Coding change: c.3548_3552del on transcript NM_007294.4 (MANE Select); coding-DNA positions 3548 to 3552, 5 bases deleted (AAGGA; older notation c.3548_3552delAAGGA).
Protein change: p.Lys1183fs; shifts the reading frame from lysine 1183.
Molecular consequence: frameshift variant. On other transcripts: intron variant (135).
Genome position (GRCh38, 1-based): chr17:43,091,979-43,091,983, TCCTT deleted on the plus strand (AAGGA on the coding strand, the reverse complement: BRCA1 is on the minus strand); deleting any 5 consecutive bases within chr17:43,091,979-43,091,985 gives the same sequence; the c. name uses the placement nearest the transcript's 3' end. VCF-style (leftmost placement, unchanged base first): chr17-43091978-CTCCTT-C. GRCh37 (hg19) VCF-style: chr17-41243995-CTCCTT-C.
Other names: c.3545_3549del, p.Lys1182fs (NM_001407860.1, NM_001407861.1, NM_001407587.1 and 22 more transcripts); c.3347_3351del, p.Lys1116fs (NM_001407862.1); c.3425_3429del, p.Lys1142fs (NM_001407863.1, NM_001407919.1, NM_001407937.1 and 19 more transcripts); c.3344_3348del, p.Lys1115fs (NM_001407874.1, NM_001407875.1); c.3338_3342del, p.Lys1113fs (NM_001407879.1, NM_001407881.1, NM_001407882.1 and 13 more transcripts); c.3335_3339del, p.Lys1112fs (NM_001407894.1, NM_001407895.1, NM_001407896.1 and 9 more transcripts); c.3284_3288del, p.Lys1095fs (NM_001407920.1, NM_001407921.1, NM_001407922.1 and 9 more transcripts); c.3281_3285del, p.Lys1094fs (NM_001407930.1, NM_001407931.1, NM_001407932.1 and 2 more transcripts); and 42 more; short protein forms K1136fs, K1183fs, K1015fs, K1056fs, K1095fs, K1113fs, K1157fs, K1180fs.
Identifiers: ClinVar variation 1392086 (VCV001392086.11), dbSNP rs2154303812, ClinGen allele CA2573154068.